The following is an entry in ClinVar:

NM_000264.5(PTCH1):c.3497A>G (p.Asn1166Ser)

Gene: PTCH1 (patched 1; minus strand). Cytogenetic location: 9q22.32.
Variant type: single nucleotide variant.
Coding change: c.3497A>G on transcript NM_000264.5 (MANE Select); coding-DNA position 3497, A replaced by G.
Protein change: p.Asn1166Ser; replaces asparagine 1166 with serine.
Molecular consequence: missense variant. On other transcripts: non-coding transcript variant (1).
Genome position (GRCh38, 1-based): chr9:95,449,893, T>C on the plus strand (A>G on the coding strand, the complement: PTCH1 is on the minus strand). VCF-style: chr9-95449893-T-C. GRCh37 (hg19) VCF-style: chr9-98212175-T-C.
Other names: c.3299A>G, p.Asn1100Ser (NM_001083602.3); c.3494A>G, p.Asn1165Ser (NM_001083603.3); c.3044A>G, p.Asn1015Ser (NM_001083604.3, NM_001083605.3, NM_001083606.3 and 1 more transcripts); c.3341A>G, p.Asn1114Ser (NM_001354918.2); short protein forms N1100S, N1165S, N1015S, N1114S, N1166S.
Identifiers: ClinVar variation 823846 (VCV000823846.22), dbSNP rs1271099813, ClinGen allele CA374111541.
Genomic context (GRCh38, chr9:95,449,893, plus strand): 5'-CTACTGACCTCAGGATATGGTCCAAAGAAAGACAAAAGCACGGGAAGCAAAACCAGCCCA[T>C]TGAGAACGCCGAGGATGGTGAGGATCGCCAGCACAGCAAAGAAATACCTGGGAGATCAAG-3'
Protein context (NP_000255.2, residues 1156-1176): LAILTILGVL[Asn1166Ser]GLVLLPVLLS

ClinVar aggregate classification (germline): Uncertain significance. Review status: criteria provided, multiple submitters, no conflicts (2 of 4 stars). 3 submissions from 3 submitters: Uncertain significance (3). Last evaluated 2026-03-01.

Conditions:
Hereditary cancer-predisposing syndrome. Also called: Tumor predisposition; Hereditary neoplastic syndrome; Neoplastic Syndromes, Hereditary; Hereditary Cancer Syndrome. Identifiers: Orphanet 140162, MedGen C0027672, MeSH D009386, MONDO:0015356.
Gorlin syndrome. Also called: Nevoid Basal Cell Carcinoma Syndrome; Basal cell nevus syndrome. Identifiers: Orphanet 377, MedGen C0004779, MONDO:0007187.

Allele frequency attached by ClinVar (database versions not stated): gnomAD exomes below 0.00001.

Submissions (3):

CeGaT Center for Human Genetics Tuebingen
Classification: Uncertain significance. Last evaluated: 2026-03-01. Review status: criteria provided, single submitter. Criteria: CeGaT Center For Human Genetics Tuebingen Variant Classification Criteria Version 2. Collection method: clinical testing. Allele origin: germline. Affected: yes. Observed: 1 variant allele.
Comment: PTCH1: PM2

Labcorp Genetics (formerly Invitae), Labcorp
Classification: Uncertain significance for Gorlin syndrome. Last evaluated: 2025-05-07. Review status: criteria provided, single submitter. Criteria: Invitae Variant Classification Sherloc (09022015). Collection method: clinical testing. Allele origin: germline.
Comment: This sequence change replaces asparagine, which is neutral and polar, with serine, which is neutral and polar, at codon 1166 of the PTCH1 protein (p.Asn1166Ser). This variant is present in population databases (no rsID available, gnomAD no frequency). This variant has not been reported in the literature in individuals affected with PTCH1-related conditions. ClinVar contains an entry for this variant (Variation ID: 823846). Invitae Evidence Modeling of protein sequence and biophysical properties (such as structural, functional, and spatial information, amino acid conservation, physicochemical variation, residue mobility, and thermodynamic stability) has been performed for this missense variant. However, the output from this modeling did not meet the statistical confidence thresholds required to predict the impact of this variant on PTCH1 protein function. In summary, the available evidence is currently insufficient to determine the role of this variant in disease. Therefore, it has been classified as a Variant of Uncertain Significance.

Ambry Genetics
Classification: Uncertain significance for Hereditary cancer-predisposing syndrome. Last evaluated: 2024-08-14. Review status: criteria provided, single submitter. Criteria: Ambry Variant Classification Scheme 2023. Collection method: clinical testing. Allele origin: germline.
Comment: The p.N1166S variant (also known as c.3497A>G), located in coding exon 21 of the PTCH1 gene, results from an A to G substitution at nucleotide position 3497. The asparagine at codon 1166 is replaced by serine, an amino acid with highly similar properties. This amino acid position is highly conserved in available vertebrate species. In addition, the in silico prediction for this alteration is inconclusive. Since supporting evidence is limited at this time, the clinical significance of this alteration remains unclear.